The following is an entry in ClinVar:

NM_014915.3(ANKRD26):c.3084A>C (p.Arg1028Ser)

Gene: ANKRD26 (ankyrin repeat domain containing 26; minus strand). Cytogenetic location: 10p12.1.
Variant type: single nucleotide variant.
Coding change: c.3084A>C on transcript NM_014915.3 (MANE Select); coding-DNA position 3084, A replaced by C.
Protein change: p.Arg1028Ser; replaces arginine 1028 with serine.
Molecular consequence: missense variant.
Genome position (GRCh38, 1-based): chr10:27,035,366, T>G on the plus strand (A>C on the coding strand, the complement: ANKRD26 is on the minus strand). VCF-style: chr10-27035366-T-G. GRCh37 (hg19) VCF-style: chr10-27324295-T-G.
Other names: c.3081A>C, p.Arg1027Ser (NM_001256053.2); short protein forms R1028S, R1027S.
Identifiers: ClinVar variation 3869892 (VCV003869892.1).

ClinVar aggregate classification (germline): Uncertain significance (1 of 4 stars; one submission).

Conditions:
Inborn genetic diseases. Identifiers: MedGen C0950123, MeSH D030342.

Submission:

Ambry Genetics
Classification: Uncertain significance for Inborn genetic diseases. Last evaluated: 2025-01-01. Review status: criteria provided, single submitter. Criteria: Ambry Variant Classification Scheme 2023. Collection method: clinical testing. Allele origin: germline.
Comment: The p.R1028S variant (also known as c.3084A>C), located in coding exon 24 of the ANKRD26 gene, results from an A to C substitution at nucleotide position 3084. The arginine at codon 1028 is replaced by serine, an amino acid with dissimilar properties. This amino acid position is conserved. In addition, this alteration is predicted to be tolerated by in silico analysis. Based on the available evidence, the clinical significance of this variant remains unclear.